The following is an entry in ClinVar:

NC_000008.10:g.(?_96057753)_(96064478_?)del

Gene: NDUFAF6 (NADH:ubiquinone oxidoreductase complex assembly factor 6; plus strand). Cytogenetic location: 8q22.1.
Variant type: Deletion.
Identifiers: ClinVar variation 2427377 (VCV002427377.3).

ClinVar aggregate classification (germline): Pathogenic (1 of 4 stars; one submission).

Submission:

Labcorp Genetics (formerly Invitae), Labcorp
Classification: Pathogenic. Last evaluated: 2022-02-25. Review status: criteria provided, single submitter. Criteria: Invitae Variant Classification Sherloc (09022015). Collection method: clinical testing. Allele origin: germline.
Comment: This variant is a gross deletion of the genomic region encompassing exon(s) 5-8 of the NDUFAF6 gene. This variant would be expected to be in-frame, preserving the integrity of the reading frame. This variant has not been reported in the literature in individuals affected with NDUFAF6-related conditions. This variant disrupts a region of the NDUFAF6 protein in which other variant(s) (p.Ala178Pro) have been determined to be pathogenic (PMID: 29531337). This suggests that this is a clinically significant region of the protein, and that variants that disrupt it are likely to be disease-causing. For these reasons, this variant has been classified as Pathogenic.

Literature cited by the submitters: PubMed 29531337.